The following is an entry in ClinVar:

ClinVar aggregate classification (germline): Uncertain significance. Review status: criteria provided, multiple submitters, no conflicts (2 of 4 stars). 2 submissions from 2 submitters: Uncertain significance (2). Last evaluated 2025-02-09.

Conditions:
Primary ciliary dyskinesia. Also called: Ciliary dyskinesia. Identifiers: Orphanet 244, MedGen C0008780, MONDO:0016575, HP:0012265.

Allele frequency attached by ClinVar (database versions not stated): ExAC 0.00004; gnomAD 0.00004; gnomAD exomes 0.00004 and 0.00006; TOPMed 0.00005; 1000 Genomes Project 0.00020; 1000 Genomes Project 30x 0.00031.

Submissions (2):

Ambry Genetics
Classification: Uncertain significance for Primary ciliary dyskinesia. Last evaluated: 2025-02-09. Review status: criteria provided, single submitter. Criteria: Ambry Variant Classification Scheme 2023. Collection method: clinical testing. Allele origin: germline.

Labcorp Genetics (formerly Invitae), Labcorp
Classification: Uncertain significance for Primary ciliary dyskinesia. Last evaluated: 2022-04-20. Review status: criteria provided, single submitter. Criteria: Invitae Variant Classification Sherloc (09022015). Collection method: clinical testing. Allele origin: germline.
Comment: This variant is present in population databases (rs141590182, gnomAD 0.008%). This sequence change replaces arginine, which is basic and polar, with tryptophan, which is neutral and slightly polar, at codon 234 of the CCDC114 protein (p.Arg234Trp). This variant has not been reported in the literature in individuals affected with CCDC114-related conditions. ClinVar contains an entry for this variant (Variation ID: 1004187). Algorithms developed to predict the effect of missense changes on protein structure and function (SIFT, PolyPhen-2, Align-GVGD) all suggest that this variant is likely to be disruptive. In summary, the available evidence is currently insufficient to determine the role of this variant in disease. Therefore, it has been classified as a Variant of Uncertain Significance.

NM_001364171.2(ODAD1):c.811C>T (p.Arg271Trp)

Gene: ODAD1 (outer dynein arm docking complex subunit 1; minus strand). Cytogenetic location: 19q13.33.
Variant type: single nucleotide variant.
Coding change: c.811C>T on transcript NM_001364171.2 (MANE Select); coding-DNA position 811, C replaced by T.
Protein change: p.Arg271Trp; replaces arginine 271 with tryptophan.
Molecular consequence: missense variant.
Genome position (GRCh38, 1-based): chr19:48,303,995, G>A on the plus strand (C>T on the coding strand, the complement: ODAD1 is on the minus strand). VCF-style: chr19-48303995-G-A. GRCh37 (hg19) VCF-style: chr19-48807252-G-A.
Other names: c.700C>T, p.Arg234Trp (NM_144577.4); c.700C>T (NM_144577.3); short protein forms R234W, R271W.
Identifiers: ClinVar variation 1004187 (VCV001004187.10), dbSNP rs141590182, ClinGen allele CA9548957.
Genomic context (GRCh38, chr19:48,303,995, plus strand): 5'-CAGCAGCCCCAGCCTCACCCTGCTTTTCACGCTTCTCCAGGACATCGGGATCCGGCTGCC[G>A]GTCGTTGTTCTTGAGCTTGAGGAAGTGGTGCAGCTGCTCCAGGTGCAAGATCTGCCGCTG-3'
Protein context (NP_001351100.1, residues 261-281): HHFLKLKNND[Arg271Trp]QPDPDVLEKR